The following is an entry in ClinVar:

NM_000090.4(COL3A1):c.196A>C (p.Ile66Leu)

Gene: COL3A1 (collagen type III alpha 1 chain; plus strand). Cytogenetic location: 2q32.2.
Variant type: single nucleotide variant.
Coding change: c.196A>C on transcript NM_000090.4 (MANE Select); coding-DNA position 196, A replaced by C.
Protein change: p.Ile66Leu; replaces isoleucine 66 with leucine.
Molecular consequence: missense variant.
Genome position (GRCh38, 1-based): chr2:188,984,876, A>C. VCF-style: chr2-188984876-A-C. GRCh37 (hg19) VCF-style: chr2-189849602-A-C.
Other names: short protein forms I66L.
Identifiers: ClinVar variation 1172270 (VCV001172270.14), dbSNP rs2153501357, ClinGen allele CA349847169.
Genomic context (GRCh38, chr2:188,984,876, plus strand): 5'-AAGCCAGAACCATGCCAAATATGTGTCTGTGACTCAGGATCCGTTCTCTGCGATGACATA[A>C]TATGTGACGATCAAGAATTAGACTGCCCCAACCCAGAAATTCCATTTGGAGAATGTTGTG-3'
Protein context (NP_000081.2, residues 56-76): DSGSVLCDDI[Ile66Leu]CDDQELDCPN

ClinVar aggregate classification (germline): Uncertain significance. Review status: criteria provided, multiple submitters, no conflicts (2 of 4 stars). 4 submissions from 4 submitters: Uncertain significance (4). Last evaluated 2024-10-21.

Conditions:
Ehlers-Danlos syndrome, type 4 (EDSVASC). Also called: Ehlers-Danlos syndrome vascular type; Ehlers Danlos syndrome, ecchymotic type; Ehlers Danlos syndrome, arterial type; Ehlers Danlos syndrome, Sack-Barabas type; Ehlers-Danlos Syndrome Type IV. Identifiers: Orphanet 286, MedGen C0268338, MONDO:0017314, OMIM 130050.
Familial thoracic aortic aneurysm and aortic dissection (TAAD). Also called: Thoracic aortic aneurysms and dissections. Identifiers: Orphanet 91387, MedGen C4707243, MONDO:0019625.
Polymicrogyria with or without vascular-type Ehlers-Danlos syndrome. Identifiers: Orphanet 636941, MedGen C5193040, MONDO:0032688, OMIM 618343.

gnomAD v4.1: 3 of 1,613,242 alleles (0.00019%); highest among the groups gnomAD compares: Non-Finnish European, 0.00025%; no homozygotes.

Submissions (4):

Labcorp Genetics (formerly Invitae), Labcorp
Classification: Uncertain significance for Ehlers-Danlos syndrome, type 4. Last evaluated: 2024-10-21. Review status: criteria provided, single submitter. Criteria: Invitae Variant Classification Sherloc (09022015). Collection method: clinical testing. Allele origin: germline.
Comment: This sequence change replaces isoleucine, which is neutral and non-polar, with leucine, which is neutral and non-polar, at codon 66 of the COL3A1 protein (p.Ile66Leu). This variant is not present in population databases (gnomAD no frequency). This variant has not been reported in the literature in individuals affected with COL3A1-related conditions. ClinVar contains an entry for this variant (Variation ID: 1172270). Invitae Evidence Modeling of protein sequence and biophysical properties (such as structural, functional, and spatial information, amino acid conservation, physicochemical variation, residue mobility, and thermodynamic stability) indicates that this missense variant is not expected to disrupt COL3A1 protein function with a negative predictive value of 95%. In summary, the available evidence is currently insufficient to determine the role of this variant in disease. Therefore, it has been classified as a Variant of Uncertain Significance.

Color Diagnostics, LLC DBA Color Health
Classification: Uncertain significance for Familial thoracic aortic aneurysm and aortic dissection. Last evaluated: 2024-03-06. Review status: criteria provided, single submitter. Criteria: ACMG Guidelines, 2015. Collection method: clinical testing. Allele origin: germline.
Comment: This missense variant replaces isoleucine with leucine at codon 66 of the COL3A1 protein. Computational prediction suggests that this variant may not impact protein structure and function (internally defined REVEL score threshold <= 0.5, PMID: 27666373). To our knowledge, functional studies have not been reported for this variant. This variant has not been reported in individuals affected with COL3A1-related disorders in the literature. This variant has not been identified in the general population by the Genome Aggregation Database (gnomAD). The available evidence is insufficient to determine the role of this variant in disease conclusively. Therefore, this variant is classified as a Variant of Uncertain Significance.

All of Us Research Program, National Institutes of Health
Classification: Uncertain significance for Ehlers-Danlos syndrome, type 4. Last evaluated: 2023-09-17. Review status: criteria provided, single submitter. Criteria: ACMG Guidelines, 2015. Collection method: clinical testing. Allele origin: germline. Inheritance: Autosomal dominant inheritance. Observed: 1 variant allele, 1 heterozygote.
Comment: This missense variant replaces isoleucine with leucine at codon 66 of the COL3A1 protein. Computational prediction suggests that this variant may not impact protein structure and function (internally defined REVEL score threshold <= 0.5, PMID: 27666373). To our knowledge, functional studies have not been reported for this variant. This variant has not been reported in individuals affected with cardiovascular disorders in the literature. This variant has not been identified in the general population by the Genome Aggregation Database (gnomAD). The available evidence is insufficient to determine the role of this variant in disease conclusively. Therefore, this variant is classified as a Variant of Uncertain Significance.

This study involves interpretation of variants in research participants for the purpose of population health screening. Participant phenotype was not available at the time of variant classification. Additional details can be found in publication PMID: 35346344, PMCID: PMC8962531

Fulgent Genetics
Classification: Uncertain significance for Ehlers-Danlos syndrome, type 4; Polymicrogyria with or without vascular-type Ehlers-Danlos syndrome. Last evaluated: 2021-09-10. Review status: criteria provided, single submitter. Criteria: ACMG Guidelines, 2015. Collection method: clinical testing. Allele origin: unknown.